The following is an entry in ClinVar:

ClinVar aggregate classification (germline): Uncertain significance (1 of 4 stars; one submission).

Submission:

Dasa
Classification: Uncertain significance. Last evaluated: 2026-02-04. Review status: criteria provided, single submitter. Criteria: DASA Assertion Criteria. Collection method: clinical testing. Allele origin: germline.
Comment: NM_145064.3(STAC3):c.433-13T>G is an intronic variant. This variant has been observed in affected individuals with STAC3-related disorders. Also, this variant is absent from population databases. Computational prediction algorithms are consistent with a deleterious effect. The currently available literature and clinical evidence are not sufficient to establish a definitive association between this variant and the reported condition. Therefore, this variant is classified as a variant of uncertain significance.

NM_145064.3(STAC3):c.433-13T>G

Gene: STAC3 (SH3 and cysteine rich domain 3; minus strand). Cytogenetic location: 12q13.3.
Variant type: single nucleotide variant.
Coding change: c.433-13T>G on transcript NM_145064.3 (MANE Select); 13 bases into the intron before coding-DNA position 433, T replaced by G.
Molecular consequence: intron variant.
Genome position (GRCh38, 1-based): chr12:57,248,211, A>C on the plus strand (T>G on the coding strand, the complement: STAC3 is on the minus strand). VCF-style: chr12-57248211-A-C. GRCh37 (hg19) VCF-style: chr12-57641994-A-C.
Other names: c.-126-13T>G (NM_001286257.2); c.316-13T>G (NM_001286256.2).
Identifiers: ClinVar variation 4885743 (VCV004885743.2).